The following is an entry in ClinVar:

ClinVar aggregate classification (germline): Uncertain significance (1 of 4 stars; one submission).

Conditions:
Myopathy, proximal, and ophthalmoplegia (CMYO6). Also called: MYOPATHY WITH CONGENITAL JOINT CONTRACTURES, OPHTHALMOPLEGIA, AND RIMMED VACUOLES; INCLUSION BODY MYOPATHY 3, AUTOSOMAL DOMINANT; CONGENITAL MYOPATHY 6 WITH OPHTHALMOPLEGIA. Identifiers: Orphanet 363677, Orphanet 79091, MedGen C1854106, MONDO:0011577, OMIM 605637.

gnomAD v4.1: 3 of 1,614,210 alleles (0.00019%); highest among the groups gnomAD compares: Non-Finnish European, 0.00025%; no homozygotes.

Submission:

Labcorp Genetics (formerly Invitae), Labcorp
Classification: Uncertain significance for Myopathy, proximal, and ophthalmoplegia. Last evaluated: 2025-05-30. Review status: criteria provided, single submitter. Criteria: Invitae Variant Classification Sherloc (09022015). Collection method: clinical testing. Allele origin: germline.
Comment: This sequence change replaces tyrosine, which is neutral and polar, with asparagine, which is neutral and polar, at codon 556 of the MYH2 protein (p.Tyr556Asn). This variant is present in population databases (no rsID available, gnomAD 0.0009%). This variant has not been reported in the literature in individuals affected with MYH2-related conditions. Invitae Evidence Modeling of protein sequence and biophysical properties (such as structural, functional, and spatial information, amino acid conservation, physicochemical variation, residue mobility, and thermodynamic stability) indicates that this missense variant is not expected to disrupt MYH2 protein function with a negative predictive value of 80%. In summary, the available evidence is currently insufficient to determine the role of this variant in disease. Therefore, it has been classified as a Variant of Uncertain Significance.

NM_017534.6(MYH2):c.1666T>A (p.Tyr556Asn)

Genes: MYHAS (myosin heavy chain gene cluster antisense RNA; plus strand), MYH2 (myosin heavy chain 2; minus strand). Cytogenetic location: 17p13.1.
Variant type: single nucleotide variant.
Coding change: c.1666T>A on transcript NM_017534.6 (MANE Select); coding-DNA position 1666, T replaced by A.
Protein change: p.Tyr556Asn; replaces tyrosine 556 with asparagine.
Molecular consequence: missense variant.
Genome position (GRCh38, 1-based): chr17:10,537,464, A>T on the plus strand (T>A on the coding strand, the complement: MYH2 is on the minus strand). VCF-style: chr17-10537464-A-T. GRCh37 (hg19) VCF-style: chr17-10440781-A-T.
Other names: c.1666T>A, p.Tyr556Asn (NM_001100112.2); short protein forms Y556N.
Identifiers: ClinVar variation 4805473 (VCV004805473.1).